The following is an entry in ClinVar:

ClinVar aggregate classification (germline): Uncertain significance (1 of 4 stars; one submission).

Conditions:
Malignant hyperthermia, susceptibility to, 1 (MHS1). Also called: Anesthesia related hyperthermia; Malignant hyperpyrexia; Fulminating hyperpyrexia; Pharmacogenic myopathy; RYR1-Related Malignant Hyperthermia Susceptibility; Malignant hyperthermia suceptibility 1. Identifiers: Orphanet 423, MedGen C2930980, MONDO:0007783, OMIM 145600.

gnomAD v4.1: 1 of 1,613,844 alleles (0.000062%); highest among the groups gnomAD compares: African/African-American, 0.0013%; no homozygotes.

Submission:

All of Us Research Program, National Institutes of Health
Classification: Uncertain significance for Malignant hyperthermia, susceptibility to, 1. Last evaluated: 2024-04-16. Review status: criteria provided, single submitter. Criteria: ACMG Guidelines, 2015. Collection method: clinical testing. Allele origin: germline. Inheritance: Autosomal dominant inheritance. Observed: 1 variant allele, 1 heterozygote.
Comment: This missense variant replaces cysteine with arginine at codon 1268 of the RYR1 protein. Computational prediction suggests that this variant may have deleterious impact on protein structure and function (internally defined REVEL score threshold >= 0.7, PMID: 27666373). To our knowledge, functional studies have not been reported for this variant. This variant has not been reported in individuals affected with RYR1-related disorders in the literature. This variant has not been identified in the general population by the Genome Aggregation Database (gnomAD). The available evidence is insufficient to determine the role of this variant in disease conclusively. Therefore, this variant is classified as a Variant of Uncertain Significance.

This study involves interpretation of variants in research participants for the purpose of population health screening. Participant phenotype was not available at the time of variant classification. Additional details can be found in publication PMID: 35346344, PMCID: PMC8962531

NM_000540.3(RYR1):c.3802T>C (p.Cys1268Arg)

Gene: RYR1 (ryanodine receptor 1; plus strand). Cytogenetic location: 19q13.2.
Variant type: single nucleotide variant.
Coding change: c.3802T>C on transcript NM_000540.3 (MANE Select); coding-DNA position 3802, T replaced by C.
Protein change: p.Cys1268Arg; replaces cysteine 1268 with arginine.
Molecular consequence: missense variant.
Genome position (GRCh38, 1-based): chr19:38,473,413, T>C. VCF-style: chr19-38473413-T-C. GRCh37 (hg19) VCF-style: chr19-38964053-T-C.
Other names: c.3802T>C, p.Cys1268Arg (NM_001042723.2); short protein forms C1268R.
Identifiers: ClinVar variation 3387695 (VCV003387695.1).
Genomic context (GRCh38, chr19:38,473,413, plus strand): 5'-GTACTCCATTCCCTGCCACCTCAGGTATCCCGAGTGGACGGCACTGTGGACACGCCCCCC[T>C]GCCTGCGCCTGACCCACCGCACCTGGGGCTCCCAGAACAGCCTGGTGGAGATGCTTTTCC-3'
Protein context (NP_000531.2, residues 1258-1278): RVDGTVDTPP[Cys1268Arg]LRLTHRTWGS